The following is an entry in ClinVar:

ClinVar aggregate classification (germline): Pathogenic/Likely pathogenic. Review status: criteria provided, multiple submitters, no conflicts (2 of 4 stars). 2 submissions from 2 submitters: Pathogenic (1); Likely pathogenic (1). Last evaluated 2025-12-01.

Submissions (2):

Dasa
Classification: Likely pathogenic. Last evaluated: 2025-12-01. Review status: criteria provided, single submitter. Criteria: DASA Assertion Criteria. Collection method: clinical testing. Allele origin: germline.
Comment: NM_015909.4(NBAS):c.6695_6705del (p.Gln2232ArgfsTer13) is a frameshift variant in NBAS predicted to alter the reading frame and introduce a premature termination codon and is predicted to result in an absent or altered protein product. Loss of function is an established disease mechanism for NBAS-associated disorders. Also, this variant is rare in population databases. Based on the currently available evidence, this variant is classified as likely pathogenic.

Labcorp Genetics (formerly Invitae), Labcorp
Classification: Pathogenic. Last evaluated: 2025-04-03. Review status: criteria provided, single submitter. Criteria: Invitae Variant Classification Sherloc (09022015). Collection method: clinical testing. Allele origin: germline.
Comment: This sequence change creates a premature translational stop signal (p.Gln2232Argfs*13) in the NBAS gene. It is expected to result in an absent or disrupted protein product. Loss-of-function variants in NBAS are known to be pathogenic (PMID: 26073778, 26541327, 27789416, 28031453). This variant is not present in population databases (gnomAD no frequency). This variant has not been reported in the literature in individuals affected with NBAS-related conditions. ClinVar contains an entry for this variant (Variation ID: 3623377). Algorithms developed to predict the effect of sequence changes on RNA splicing suggest that this variant may disrupt the consensus splice site. For these reasons, this variant has been classified as Pathogenic.

Literature cited by the submitters: PubMed 26073778 (cited by Labcorp Genetics (formerly Invitae), Labcorp); PubMed 26541327 (cited by Labcorp Genetics (formerly Invitae), Labcorp); PubMed 27789416 (cited by Labcorp Genetics (formerly Invitae), Labcorp); PubMed 28031453 (cited by Labcorp Genetics (formerly Invitae), Labcorp).

NM_015909.4(NBAS):c.6695_6705del (p.Gln2232fs)

Gene: NBAS (NBAS subunit of NRZ tethering complex; minus strand). Cytogenetic location: 2p24.3.
Variant type: Deletion.
Coding change: c.6695_6705del on transcript NM_015909.4 (MANE Select); coding-DNA positions 6695 to 6705, 11 bases deleted (AGATGCTGCCT).
Protein change: p.Gln2232fs; shifts the reading frame from glutamine 2232.
Molecular consequence: frameshift variant. On other transcripts: non-coding transcript variant (1).
Genome position (GRCh38, 1-based): chr2:15,186,748-15,186,758, AGGCAGCATCT deleted on the plus strand (AGATGCTGCCT on the coding strand, the reverse complement: NBAS is on the minus strand). VCF-style (leftmost placement, unchanged base first): chr2-15186747-CAGGCAGCATCT-C. GRCh37 (hg19) VCF-style: chr2-15326871-CAGGCAGCATCT-C.
Other names: short protein forms Q2232fs.
Identifiers: ClinVar variation 3623377 (VCV003623377.4).